The following is an entry in ClinVar:

NM_006231.4(POLE):c.2592A>G (p.Ile864Met)

Gene: POLE (DNA polymerase epsilon, catalytic subunit; minus strand). Cytogenetic location: 12q24.33.
Variant type: single nucleotide variant.
Coding change: c.2592A>G on transcript NM_006231.4 (MANE Select); coding-DNA position 2592, A replaced by G.
Protein change: p.Ile864Met; replaces isoleucine 864 with methionine.
Molecular consequence: missense variant.
Genome position (GRCh38, 1-based): chr12:132,664,118, T>C on the plus strand (A>G on the coding strand, the complement: POLE is on the minus strand). VCF-style: chr12-132664118-T-C. GRCh37 (hg19) VCF-style: chr12-133240704-T-C.
Other names: short protein forms I864M.
Identifiers: ClinVar variation 656113 (VCV000656113.11), dbSNP rs1593782285, ClinGen allele CA387395790.

ClinVar aggregate classification (germline): Uncertain significance. Review status: criteria provided, multiple submitters, no conflicts (2 of 4 stars). 2 submissions from 2 submitters: Uncertain significance (2). Last evaluated 2025-08-18.

Conditions:
Hereditary cancer-predisposing syndrome. Also called: Hereditary neoplastic syndrome; Tumor predisposition; Neoplastic Syndromes, Hereditary; Hereditary Cancer Syndrome. Identifiers: Orphanet 140162, MedGen C0027672, MeSH D009386, MONDO:0015356.

Submissions (2):

Labcorp Genetics (formerly Invitae), Labcorp
Classification: Uncertain significance. Last evaluated: 2025-08-18. Review status: criteria provided, single submitter. Criteria: Invitae Variant Classification Sherloc (09022015). Collection method: clinical testing. Allele origin: germline.
Comment: This sequence change replaces isoleucine, which is neutral and non-polar, with methionine, which is neutral and non-polar, at codon 864 of the POLE protein (p.Ile864Met). This variant is not present in population databases (gnomAD no frequency). This variant has not been reported in the literature in individuals affected with POLE-related conditions. ClinVar contains an entry for this variant (Variation ID: 656113). Invitae Evidence Modeling of protein sequence and biophysical properties (such as structural, functional, and spatial information, amino acid conservation, physicochemical variation, residue mobility, and thermodynamic stability) indicates that this missense variant is expected to disrupt POLE protein function with a positive predictive value of 80%. In summary, the available evidence is currently insufficient to determine the role of this variant in disease. Therefore, it has been classified as a Variant of Uncertain Significance.

Ambry Genetics
Classification: Uncertain significance for Hereditary cancer-predisposing syndrome. Last evaluated: 2021-12-29. Review status: criteria provided, single submitter. Criteria: Ambry Variant Classification Scheme 2023. Collection method: clinical testing. Allele origin: germline.
Comment: The p.I864M variant (also known as c.2592A>G), located in coding exon 23 of the POLE gene, results from an A to G substitution at nucleotide position 2592. The isoleucine at codon 864 is replaced by methionine, an amino acid with highly similar properties. This amino acid position is conserved. In addition, the in silico prediction for this alteration is inconclusive. Since supporting evidence is limited at this time, the clinical significance of this alteration remains unclear.